The following is an entry in ClinVar:

ClinVar aggregate classification (germline): Uncertain significance. Review status: criteria provided, multiple submitters, no conflicts (2 of 4 stars). 3 submissions from 3 submitters: Uncertain significance (3). Last evaluated 2024-09-26.

Conditions:
Inborn genetic diseases. Identifiers: MedGen C0950123, MeSH D030342.
Charcot-Marie-Tooth disease axonal type 2Z. Also called: CHARCOT-MARIE-TOOTH DISEASE, AXONAL, AUTOSOMAL DOMINANT, TYPE 2Z; CHARCOT-MARIE-TOOTH NEUROPATHY, TYPE 2Z. Identifiers: Orphanet 466768, MedGen C5569025, MONDO:0014736, OMIM 616688.

Allele frequency attached by ClinVar (database versions not stated): TOPMed 0.00002.
gnomAD v4.1: 6 of 1,614,094 alleles (0.00037%); highest among the groups gnomAD compares: Non-Finnish European, 0.00051%; no homozygotes.

Submissions (3):

GeneDx
Classification: Uncertain significance. Last evaluated: 2024-09-26. Review status: criteria provided, single submitter. Criteria: GeneDx Variant Classification Process June 2021. Collection method: clinical testing. Allele origin: germline. Affected: yes.
Comment: Not observed at significant frequency in large population cohorts (gnomAD); In silico analysis indicates that this missense variant does not alter protein structure/function; Has not been previously published as pathogenic or benign to our knowledge

Ambry Genetics
Classification: Uncertain significance for Inborn genetic diseases. Last evaluated: 2023-08-09. Review status: criteria provided, single submitter. Criteria: Ambry Variant Classification Scheme 2023. Collection method: clinical testing. Allele origin: germline.

Labcorp Genetics (formerly Invitae), Labcorp
Classification: Uncertain significance for Charcot-Marie-Tooth disease axonal type 2Z. Last evaluated: 2019-12-18. Review status: criteria provided, single submitter. Criteria: Invitae Variant Classification Sherloc (09022015). Collection method: clinical testing. Allele origin: germline.
Comment: In summary, the available evidence is currently insufficient to determine the role of this variant in disease. Therefore, it has been classified as a Variant of Uncertain Significance. Algorithms developed to predict the effect of missense changes on protein structure and function (SIFT, PolyPhen-2, Align-GVGD) all suggest that this variant is likely to be tolerated, but these predictions have not been confirmed by published functional studies and their clinical significance is uncertain. This variant has not been reported in the literature in individuals with MORC2-related disease. This variant is not present in population databases (ExAC no frequency). This sequence change replaces valine with leucine at codon 236 of the MORC2 protein (p.Val236Leu). The valine residue is moderately conserved and there is a small physicochemical difference between valine and leucine.

NM_001303256.3(MORC2):c.892G>C (p.Val298Leu)

Gene: MORC2 (MORC family CW-type zinc finger 2; minus strand). Cytogenetic location: 22q12.2.
Variant type: single nucleotide variant.
Coding change: c.892G>C on transcript NM_001303256.3 (MANE Select); coding-DNA position 892, G replaced by C.
Protein change: p.Val298Leu; replaces valine 298 with leucine.
Molecular consequence: missense variant.
Genome position (GRCh38, 1-based): chr22:30,940,770, C>G on the plus strand (G>C on the coding strand, the complement: MORC2 is on the minus strand). VCF-style: chr22-30940770-C-G. GRCh37 (hg19) VCF-style: chr22-31336757-C-G.
Other names: c.892G>C, p.Val298Leu (NM_001303257.2); c.706G>C, p.Val236Leu (NM_014941.3); short protein forms V236L, V298L.
Identifiers: ClinVar variation 542293 (VCV000542293.12), dbSNP rs772766261, ClinGen allele CA411240663.